The following is an entry in ClinVar:

ClinVar aggregate classification (germline): Uncertain significance (1 of 4 stars; one submission).

Conditions:
Inborn genetic diseases. Identifiers: MedGen C0950123, MeSH D030342.

gnomAD v4.1: 3 of 1,613,798 alleles (0.00019%); highest among the groups gnomAD compares: Non-Finnish European, 0.00025%; no homozygotes.

Submission:

Ambry Genetics
Classification: Uncertain significance for Inborn genetic diseases. Last evaluated: 2024-10-02. Review status: criteria provided, single submitter. Criteria: Ambry Variant Classification Scheme 2023. Collection method: clinical testing. Allele origin: germline.
Comment: The p.K107N variant (also known as c.321A>C), located in coding exon 2 of the ERCC6L2 gene, results from an A to C substitution at nucleotide position 321. The lysine at codon 107 is replaced by asparagine, an amino acid with similar properties. This amino acid position is conserved. In addition, this alteration is predicted to be tolerated by in silico analysis. Based on the available evidence, the clinical significance of this variant remains unclear.

NM_020207.7(ERCC6L2):c.321A>C (p.Lys107Asn)

Gene: ERCC6L2 (ERCC excision repair 6 like 2; plus strand). Cytogenetic location: 9q22.32.
Variant type: single nucleotide variant.
Coding change: c.321A>C on transcript NM_020207.7 (MANE Select); coding-DNA position 321, A replaced by C.
Protein change: p.Lys107Asn; replaces lysine 107 with asparagine.
Molecular consequence: missense variant. On other transcripts: non-coding transcript variant (1).
Genome position (GRCh38, 1-based): chr9:95,881,143, A>C. VCF-style: chr9-95881143-A-C. GRCh37 (hg19) VCF-style: chr9-98643425-A-C.
Other names: c.321A>C, p.Lys107Asn (NM_001010895.4, NM_001375291.1, NM_001375292.1 and 2 more transcripts); short protein forms K107N.
Identifiers: ClinVar variation 3509953 (VCV003509953.1).
Genomic context (GRCh38, chr9:95,881,143, plus strand): 5'-AGATTTAGAAAAACCTTATTTCCCAAACCGAAAATTTCCATCATCTTCTGTTGCTTTTAA[A>C]TTATCTGACAATGGAGACTCTATTCCTTATACCATCAATAGGTATTTGAGAGACTACCAA-3'
Protein context (NP_064592.3, residues 97-117): RKFPSSSVAF[Lys107Asn]LSDNGDSIPY